The following is an entry in ClinVar:

ClinVar aggregate classification (germline): Pathogenic/Likely pathogenic. Review status: criteria provided, multiple submitters, no conflicts (2 of 4 stars). 12 submissions from 11 submitters: Pathogenic (5); Likely pathogenic (5). 2 of the submissions do not count toward it. Last evaluated 2025-12-03.

Conditions:
History of neurodevelopmental disorder. Identifiers: MedGen C2711754.
Inborn genetic diseases. Identifiers: MedGen C0950123, MeSH D030342.
Developmental and epileptic encephalopathy. Identifiers: MedGen C5779964, MONDO:0100620.
Developmental and epileptic encephalopathy, 11 (DEE11). Also called: Early infantile epileptic encephalopathy 11. Identifiers: Orphanet 1934, MedGen C3150987, MONDO:0013388, OMIM 613721.
Seizures, benign familial infantile, 3 (BFIS3). Also called: Familial neonatal seizures; CONVULSIONS, BENIGN FAMILIAL INFANTILE, 3. Identifiers: Orphanet 140927, Orphanet 306, MedGen C1843140, MONDO:0011904, OMIM 607745.

Allele frequency attached by ClinVar (database versions not stated): gnomAD exomes below 0.00001.
gnomAD v4.1: 1 of 1,612,410 alleles (0.000062%); highest among the groups gnomAD compares: Non-Finnish European, 0.000085%; no homozygotes.

Submissions (12):

Ambry Genetics
Classification: Pathogenic for Inborn genetic diseases. Last evaluated: 2025-12-03. Review status: criteria provided, single submitter. Criteria: Ambry Variant Classification Scheme 2023. Collection method: clinical testing. Allele origin: germline.
Comment: The c.605C>T (p.A202V) alteration is located in exon 5 (coding exon 4) of the SCN2A gene. This alteration results from a C to T substitution at nucleotide position 605, causing the alanine (A) at amino acid position 202 to be replaced by a valine (V). This variant was not reported in population-based cohorts in the Genome Aggregation Database (gnomAD). This variant was reported in individuals with features consistent with SCN2A-related seizure disorders; in at least one individual, it was determined to be de novo (Wolff, 2017; Leroy, 2018; Denomm&eacute;-Pichon, 2022; Jang, 2019; Yang, 2022; Zeng, 2022; Fang, 2023). This amino acid position is highly conserved in available vertebrate species. This alteration is predicted to be deleterious by in silico analysis. Based on the available evidence, this alteration is classified as pathogenic.

Dasa
Classification: Likely pathogenic. Last evaluated: 2024-11-11. Review status: criteria provided, single submitter. Criteria: DASA Assertion Criteria. Collection method: clinical testing. Allele origin: germline.
Comment: NM_001040142.2(SCN2A):c.605C>T (p.Ala202Val) is a missense variant that results in the substitution of alanine with valine. This variant has been recurrently observed in individuals with SCN2A-related disorders (PMID: 28379373; PMID: 30381472). This variant has been reported as a de novo occurrence in an affected individual (PMID: 28379373; PMID: 30381472). Also, this variant is rare in population databases. Computational evidence supports a deleterious effect. Based on the currently available evidence, this variant is classified as likely pathogenic.

Labcorp Genetics (formerly Invitae), Labcorp
Classification: Pathogenic for Seizures, benign familial infantile, 3; Developmental and epileptic encephalopathy, 11. Last evaluated: 2024-09-09. Review status: criteria provided, single submitter. Criteria: Invitae Variant Classification Sherloc (09022015). Collection method: clinical testing. Allele origin: germline.
Comment: This sequence change replaces alanine, which is neutral and non-polar, with valine, which is neutral and non-polar, at codon 202 of the SCN2A protein (p.Ala202Val). This variant is not present in population databases (gnomAD no frequency). This missense change has been observed in individual(s) with clinical features of SCN2A-related conditions (PMID: 28379373, 30381472, 34782754; internal data). In at least one individual the variant was observed to be de novo. ClinVar contains an entry for this variant (Variation ID: 449147). An algorithm developed to predict the effect of missense changes on protein structure and function (PolyPhen-2) suggests that this variant is likely to be disruptive. For these reasons, this variant has been classified as Pathogenic.

CeGaT Center for Human Genetics Tuebingen
Classification: Pathogenic. Last evaluated: 2023-11-01. Review status: criteria provided, single submitter. Criteria: CeGaT Center For Human Genetics Tuebingen Variant Classification Criteria Version 2. Collection method: clinical testing. Allele origin: germline. Affected: yes. Observed: 1 variant allele.
Comment: SCN2A: PM1, PM2, PM5, PS2:Moderate, PS4:Moderate, PP3, PP4

3billion
Classification: Likely pathogenic for Developmental and epileptic encephalopathy, 11. Last evaluated: 2023-08-15. Review status: criteria provided, single submitter. Criteria: ACMG Guidelines, 2015. Collection method: clinical testing. Allele origin: germline. Affected: yes.
Comment: The variant is not observed in the gnomAD v2.1.1 dataset. Predicted Consequence/Location: Missense variant In silico tool predictions suggest damaging effect of the variant on gene or gene product [REVEL: 0.86 (>=0.6, sensitivity 0.68 and specificity 0.92); 3Cnet: 0.99 (>=0.6, sensitivity 0.72 and precision 0.9)]. Same nucleotide change resulting in same amino acid change has been previously reported as pathogenic/likely pathogenic with strong evidence (ClinVar ID: VCV000449147 /PMID: 28379373). Therefore, this variant is classified as Likely pathogenic according to the recommendation of ACMG/AMP guideline.

GeneDx
Classification: Pathogenic. Last evaluated: 2023-06-14. Review status: criteria provided, single submitter. Criteria: GeneDx Variant Classification Process June 2021. Collection method: clinical testing. Allele origin: germline. Affected: yes.
Comment: Reported previously in a patient with myoclonic epilepsy and febrile seizures and in a patient with early-onset catatonic syndrome; however, no segregation information was provided (Vykuntaraju K. Gowda et al., 2021; Leroy A et al., 2018); Reported as a maternally inherited variant in a patient with benign familial neonatal seizures (Wolff et al., 2017); Not observed at significant frequency in large population cohorts (gnomAD); Missense variants in this gene are often considered pathogenic (HGMD); In silico analysis supports that this missense variant has a deleterious effect on protein structure/function; This substitution is predicted to be within the transmembrane segment S3 of the first homologous domain; This variant is associated with the following publications: (PMID: 32090326, Wu_2021, 30381472, 34782754, 31440721, Gowda_2021, Nieto-Barcelo_2021, 28379373, 35431799, 35715422)

Baylor Genetics
Classification: Likely pathogenic for Developmental and epileptic encephalopathy, 11. Last evaluated: 2021-03-05. Review status: criteria provided, single submitter. Criteria: ACMG Guidelines, 2015. Collection method: clinical testing. Allele origin: unknown.

Cytogénomique, Hospices Civils de Lyon
Classification: Pathogenic for Seizures, benign familial infantile, 3. Review status: criteria provided, single submitter. Criteria: ACMG Guidelines, 2015. Collection method: clinical testing. Allele origin: de novo. Inheritance: Autosomal dominant inheritance. Affected: yes.

Equipe Genetique des Anomalies du Developpement, Université de Bourgogne
Classification: Likely pathogenic for Seizures, benign familial infantile, 3. Review status: criteria provided, single submitter. Criteria: ACMG Guidelines, 2015. Collection method: clinical testing. Allele origin: de novo. Affected: yes.

Neuberg Centre For Genomic Medicine, NCGM
Classification: Likely pathogenic for Developmental and epileptic encephalopathy, 11. Review status: criteria provided, single submitter. Criteria: ACMG Guidelines, 2015. Collection method: clinical testing. Allele origin: germline. Inheritance: Autosomal dominant inheritance. Affected: yes.
Comment: The missense variant p.A202V in SCN2A (NM_021007.3) has been reported previously in an individual affected with benign familial neonatal seizures (Wolff et al, 2017). The p.A202V variant is novel (not in any individuals) in gnomAD Exomes and is novel (not in any individuals) in 1000 Genomes. The amino acid Ala at position 202 is changed to a Val changing protein sequence and it might alter its composition and physico-chemical properties. The p.A202V missense variant is predicted to be damaging by both SIFT and PolyPhen2. The alanine residue at codon 202 of SCN2A is conserved in all mammalian species. The nucleotide c.605 in SCN2A is predicted conserved by GERP++ and PhyloP across 100 vertebrates. For these reasons, this variant has been classified as Likely Pathogenic.

Neurology Department, Shenzhen Children's Hospital
Classification: Pathogenic for Developmental and epileptic encephalopathy. Last evaluated: 2022-02-16. Review status: no assertion criteria provided. Collection method: clinical testing. Allele origin: de novo. Affected: yes. Not counted in ClinVar's aggregate classification.

Ambry Genetics
Classification: Uncertain significance for History of neurodevelopmental disorder. Last evaluated: 2016-02-15. Review status: flagged submission. Criteria: Ambry Autosomal Dominant and X-Linked criteria (10/2015). Collection method: clinical testing. Allele origin: germline. Observed: 1 variant allele. Not counted in ClinVar's aggregate classification.
Comment: The c.605C>T variant (also known as p.A202V), located in coding exon 4 of the SCN2A gene, results from a C to T substitution at nucleotide position 605. The amino acid change results in alanine to valine at codon 202, an amino acid with similar properties. However, this change occurs in the last base pair of coding exon 4, which makes it likely to have some effect on normal mRNA splicing. This variant was not reported in population based cohorts in the following databases: Database of Single Nucleotide Polymorphisms (dbSNP), NHLBI Exome Sequencing Project (ESP), and 1000 Genomes Project. In the ESP, this variant was not observed in 6498 samples (12996 alleles) with coverage at this position. This amino acid position is highly conserved in available vertebrate species. This amino acid alteration is predicted to be possibly damaging and deleterious by PolyPhen and SIFT in silico analyses, respectively. In addition, using theBDGPandESEfindersplice site prediction tools, this nucleotidealteration is not predicted to have any significant effect on this splice donor site; however, direct evidence is unavailable.Since supporting evidence is limited at this time, the clinical significance of this variant remains unclear.
ClinVar note: Reason: Older claim that does not account for recent evidence

Literature cited by the submitters: PubMed 28379373 (cited by 5 submitters); PubMed 30381472 (cited by 3 submitters); PubMed 31572294 (cited by Ambry Genetics); PubMed 34782754 (cited by 3 submitters); PubMed 35431799 (cited by Ambry Genetics); PubMed 35715422 (cited by Ambry Genetics); PubMed 38174099 (cited by Ambry Genetics).

NM_001040142.2(SCN2A):c.605C>T (p.Ala202Val)

Gene: SCN2A (sodium voltage-gated channel alpha subunit 2; plus strand). Cytogenetic location: 2q24.3.
Variant type: single nucleotide variant.
Coding change: c.605C>T on transcript NM_001040142.2 (MANE Select); coding-DNA position 605, C replaced by T.
Protein change: p.Ala202Val; replaces alanine 202 with valine.
Molecular consequence: missense variant.
Genome position (GRCh38, 1-based): chr2:165,308,794, C>T. VCF-style: chr2-165308794-C-T. GRCh37 (hg19) VCF-style: chr2-166165304-C-T.
Other names: c.605C>T (NM_001040142.1); c.605C>T, p.Ala202Val (NM_001040143.2, NM_001371246.1, NM_001371247.1 and 1 more transcripts); short protein forms A202V.
Identifiers: ClinVar variation 449147 (VCV000449147.48), dbSNP rs1553567409, ClinGen allele CA349016810.